The following is an entry in ClinVar:

NM_005956.4(MTHFD1):c.2747G>A (p.Arg916Gln)

Genes: MTHFD1 (methylenetetrahydrofolate dehydrogenase, cyclohydrolase and formyltetrahydrofolate synthetase 1; plus strand), ZBTB25 (zinc finger and BTB domain containing 25; minus strand). Cytogenetic location: 14q23.3.
Variant type: single nucleotide variant.
Coding change: c.2747G>A on transcript NM_005956.4 (MANE Select); coding-DNA position 2747, G replaced by A.
Protein change: p.Arg916Gln; replaces arginine 916 with glutamine.
Molecular consequence: missense variant. On other transcripts: intron variant (2).
Genome position (GRCh38, 1-based): chr14:64,458,242, G>A. VCF-style: chr14-64458242-G-A. GRCh37 (hg19) VCF-style: chr14-64924960-G-A.
Other names: c.2719-1517G>A (NM_001364837.1); c.174-8604C>T (NM_001304508.1); short protein forms R916Q.
Identifiers: ClinVar variation 1407442 (VCV001407442.7), dbSNP rs563992464, ClinGen allele CA261857993.
Genomic context (GRCh38, chr14:64,458,242, plus strand): 5'-TAGTTTATTTGTAATGCTTTTTTACATCCTAGATGAGCACAATGCCTGGACTCCCCACCC[G>A]GCCCTGTTTTTATGATATTGATTTGGACCCTGAAACAGAACAGGTGAATGGATTATTCTA-3'
Protein context (NP_005947.3, residues 906-926): TMSTMPGLPT[Arg916Gln]PCFYDIDLDP

ClinVar aggregate classification (germline): Uncertain significance (1 of 4 stars; one submission).

Allele frequency attached by ClinVar (database versions not stated): gnomAD exomes 0.00001; TOPMed below 0.00001; 1000 Genomes Project 0.00020; gnomAD 0.00001; 1000 Genomes Project 30x 0.00016.
gnomAD v4.1: 30 of 1,612,856 alleles (0.0019%); highest among the groups gnomAD compares: East Asian, 0.0022%; no homozygotes.

Submission:

Labcorp Genetics (formerly Invitae), Labcorp
Classification: Uncertain significance. Last evaluated: 2021-09-26. Review status: criteria provided, single submitter. Criteria: Invitae Variant Classification Sherloc (09022015). Collection method: clinical testing. Allele origin: germline.
Comment: In summary, the available evidence is currently insufficient to determine the role of this variant in disease. Therefore, it has been classified as a Variant of Uncertain Significance. Algorithms developed to predict the effect of sequence changes on RNA splicing suggest that this variant may create or strengthen a splice site. Algorithms developed to predict the effect of missense changes on protein structure and function (SIFT, PolyPhen-2, Align-GVGD) all suggest that this variant is likely to be tolerated. This variant has not been reported in the literature in individuals affected with MTHFD1-related conditions. This variant is not present in population databases (ExAC no frequency). This sequence change replaces arginine with glutamine at codon 916 of the MTHFD1 protein (p.Arg916Gln). The arginine residue is moderately conserved and there is a small physicochemical difference between arginine and glutamine.